The following is an entry in ClinVar:

NM_002691.4(POLD1):c.2168T>A (p.Phe723Tyr)

Gene: POLD1 (DNA polymerase delta 1, catalytic subunit; plus strand). Cytogenetic location: 19q13.33.
Variant type: single nucleotide variant.
Coding change: c.2168T>A on transcript NM_002691.4 (MANE Select); coding-DNA position 2168, T replaced by A.
Protein change: p.Phe723Tyr; replaces phenylalanine 723 with tyrosine.
Molecular consequence: missense variant. On other transcripts: non-coding transcript variant (1).
Genome position (GRCh38, 1-based): chr19:50,413,439, T>A. VCF-style: chr19-50413439-T-A. GRCh37 (hg19) VCF-style: chr19-50916696-T-A.
Other names: c.2168T>A, p.Phe723Tyr (NM_001256849.1); c.2246T>A, p.Phe749Tyr (NM_001308632.1); short protein forms F723Y, F749Y.
Identifiers: ClinVar variation 3651020 (VCV003651020.2).

ClinVar aggregate classification (germline): Uncertain significance (1 of 4 stars; one submission).

Conditions:
POLD1-related polyposis and colorectal cancer syndrome (CRCS10). Also called: Colorectal cancer 10; COLORECTAL CANCER, SUSCEPTIBILITY TO, ON CHROMOSOME 19q; Colorectal cancer, susceptibility to, 10. Identifiers: Orphanet 220460, MedGen C2675481, MONDO:0012953, OMIM 612591.

Submission:

Labcorp Genetics (formerly Invitae), Labcorp
Classification: Uncertain significance for POLD1-related polyposis and colorectal cancer syndrome. Last evaluated: 2024-06-25. Review status: criteria provided, single submitter. Criteria: Invitae Variant Classification Sherloc (09022015). Collection method: clinical testing. Allele origin: germline.
Comment: This sequence change replaces phenylalanine, which is neutral and non-polar, with tyrosine, which is neutral and polar, at codon 723 of the POLD1 protein (p.Phe723Tyr). This variant is not present in population databases (gnomAD no frequency). This variant has not been reported in the literature in individuals affected with POLD1-related conditions. Advanced modeling of protein sequence and biophysical properties (such as structural, functional, and spatial information, amino acid conservation, physicochemical variation, residue mobility, and thermodynamic stability) performed at Invitae indicates that this missense variant is not expected to disrupt POLD1 protein function with a negative predictive value of 80%. In summary, the available evidence is currently insufficient to determine the role of this variant in disease. Therefore, it has been classified as a Variant of Uncertain Significance.